The following is an entry in ClinVar:

ClinVar aggregate classification (germline): Uncertain significance (1 of 4 stars; one submission).

gnomAD v4.1: 1 of 1,614,244 alleles (0.000062%); highest among the groups gnomAD compares: Non-Finnish European, 0.000085%; no homozygotes.

Submission:

GeneDx
Classification: Uncertain significance. Last evaluated: 2025-06-05. Review status: criteria provided, single submitter. Criteria: GeneDx Variant Classification Process June 2021. Collection method: clinical testing. Allele origin: germline. Affected: yes.
Comment: In silico analysis suggests that this missense variant does not alter protein structure/function; Has not been previously published as pathogenic or benign to our knowledge

NM_004380.3(CREBBP):c.694C>G (p.Gln232Glu)

Gene: CREBBP (CREB binding lysine acetyltransferase; minus strand). Cytogenetic location: 16p13.3.
Variant type: single nucleotide variant.
Coding change: c.694C>G on transcript NM_004380.3 (MANE Select); coding-DNA position 694, C replaced by G.
Protein change: p.Gln232Glu; replaces glutamine 232 with glutamic acid.
Molecular consequence: missense variant.
Genome position (GRCh38, 1-based): chr16:3,850,401, G>C on the plus strand (C>G on the coding strand, the complement: CREBBP is on the minus strand). VCF-style: chr16-3850401-G-C. GRCh37 (hg19) VCF-style: chr16-3900402-G-C.
Other names: c.694C>G, p.Gln232Glu (NM_001079846.1); short protein forms Q232E.
Identifiers: ClinVar variation 4536182 (VCV004536182.1).
Genomic context (GRCh38, chr16:3,850,401, plus strand): 5'-CAGTCATTTGCGGGGAAACCTGCGTTAGGGTCTCAGCCAGCACGCTGCTCGAGGCGCCCT[G>C]CATGGCTGGAGTAGGGTACGGCATTCCAGCTCCCCTTCCTCTGCCAGCAGCCCCAAGAGA-3'
Protein context (NP_004371.2, residues 222-242): AGMPYPTPAM[Gln232Glu]GASSSVLAET